The following is an entry in ClinVar:

ClinVar aggregate classification (germline): Uncertain significance (1 of 4 stars; one submission).

Conditions:
Left ventricular noncompaction 1 (LVNC1). Also called: LEFT VENTRICULAR NONCOMPACTION 1 WITH OR WITHOUT CONGENITAL HEART DEFECTS. Identifiers: Orphanet 54260, MedGen C1858725, MONDO:0011403, OMIM 604169.

Allele frequency attached by ClinVar (database versions not stated): TOPMed below 0.00001; gnomAD 0.00001.

Submission:

Labcorp Genetics (formerly Invitae), Labcorp
Classification: Uncertain significance for Left ventricular noncompaction 1. Last evaluated: 2022-03-18. Review status: criteria provided, single submitter. Criteria: Invitae Variant Classification Sherloc (09022015). Collection method: clinical testing. Allele origin: germline.
Comment: This variant has not been reported in the literature in individuals affected with DTNA-related conditions. This sequence change replaces proline, which is neutral and non-polar, with threonine, which is neutral and polar, at codon 574 of the DTNA protein (p.Pro574Thr). This variant is present in population databases (no rsID available, gnomAD 0.01%). Algorithms developed to predict the effect of missense changes on protein structure and function are either unavailable or do not agree on the potential impact of this missense change (SIFT: "Deleterious"; PolyPhen-2: "Possibly Damaging"; Align-GVGD: "Class C0"). In summary, the available evidence is currently insufficient to determine the role of this variant in disease. Therefore, it has been classified as a Variant of Uncertain Significance.

NM_001386795.1(DTNA):c.1801C>A (p.Pro601Thr)

Gene: DTNA (dystrobrevin alpha; plus strand). Cytogenetic location: 18q12.1.
Variant type: single nucleotide variant.
Coding change: c.1801C>A on transcript NM_001386795.1 (MANE Select); coding-DNA position 1801, C replaced by A.
Protein change: p.Pro601Thr; replaces proline 601 with threonine.
Molecular consequence: missense variant.
Genome position (GRCh38, 1-based): chr18:34,875,296, C>A. VCF-style: chr18-34875296-C-A. GRCh37 (hg19) VCF-style: chr18-32455260-C-A.
Other names: c.1540C>A, p.Pro514Thr (NM_001198938.2, NM_001198940.2, NM_001386763.1 and 5 more transcripts); c.1561C>A, p.Pro521Thr (NM_001198939.2); c.847C>A, p.Pro283Thr (NM_001198942.1); c.1630C>A, p.Pro544Thr (NM_001386754.1, NM_001386759.1, NM_001386755.1 and 3 more transcripts); c.1627C>A, p.Pro543Thr (NM_001386760.1); c.1549C>A, p.Pro517Thr (NM_001386761.1, NM_032975.4); c.1546C>A, p.Pro516Thr (NM_001386762.1); c.790C>A, p.Pro264Thr (NM_001198943.1); and 5 more; short protein forms P264T, P516T, P283T, P513T, P514T, P517T, P222T, P543T.
Identifiers: ClinVar variation 1919318 (VCV001919318.5), dbSNP rs903552234, ClinGen allele CA297799545.